The following is an entry in ClinVar:

ClinVar aggregate classification (germline): Uncertain significance (1 of 4 stars; one submission).

Allele frequency attached by ClinVar (database versions not stated): gnomAD exomes below 0.00001; TOPMed below 0.00001; ExAC 0.00001.
gnomAD v4.1: 5 of 1,613,736 alleles (0.00031%); highest among the groups gnomAD compares: East Asian, 0.0022%; no homozygotes.

Submission:

Labcorp Genetics (formerly Invitae), Labcorp
Classification: Uncertain significance. Last evaluated: 2023-05-23. Review status: criteria provided, single submitter. Criteria: Invitae Variant Classification Sherloc (09022015). Collection method: clinical testing. Allele origin: germline.
Comment: In summary, the available evidence is currently insufficient to determine the role of this variant in disease. Therefore, it has been classified as a Variant of Uncertain Significance. Advanced modeling of protein sequence and biophysical properties (such as structural, functional, and spatial information, amino acid conservation, physicochemical variation, residue mobility, and thermodynamic stability) performed at Invitae indicates that this missense variant is expected to disrupt HK1 protein function. ClinVar contains an entry for this variant (Variation ID: 2007119). This variant has not been reported in the literature in individuals affected with HK1-related conditions. This variant is present in population databases (rs769998947, gnomAD 0.006%). This sequence change replaces leucine, which is neutral and non-polar, with phenylalanine, which is neutral and non-polar, at codon 51 of the HK1 protein (p.Leu51Phe).

NM_000188.3(HK1):c.151C>T (p.Leu51Phe)

Gene: HK1 (hexokinase 1; plus strand). Cytogenetic location: 10q22.1.
Variant type: single nucleotide variant.
Coding change: c.151C>T on transcript NM_000188.3 (MANE Select); coding-DNA position 151, C replaced by T.
Protein change: p.Leu51Phe; replaces leucine 51 with phenylalanine.
Molecular consequence: missense variant.
Genome position (GRCh38, 1-based): chr10:69,343,914, C>T. VCF-style: chr10-69343914-C-T. GRCh37 (hg19) VCF-style: chr10-71103670-C-T.
Other names: c.163C>T, p.Leu55Phe (NM_001322364.2, NM_001358263.1, NM_033497.3 and 1 more transcripts); c.256C>T, p.Leu86Phe (NM_001322365.2); c.67C>T, p.Leu23Phe (NM_001322366.1); c.151C>T, p.Leu51Phe (NM_001322367.1); c.148C>T, p.Leu50Phe (NM_033496.3); c.115C>T, p.Leu39Phe (NM_033500.2); short protein forms L23F, L86F, L39F, L50F, L51F, L55F.
Identifiers: ClinVar variation 2007119 (VCV002007119.4), dbSNP rs769998947, ClinGen allele CA5532248.